The following is an entry in ClinVar:

NM_001206927.2(DNAH8):c.6990+6G>T

Gene: DNAH8 (dynein axonemal heavy chain 8; plus strand). Cytogenetic location: 6p21.2.
Variant type: single nucleotide variant.
Coding change: c.6990+6G>T on transcript NM_001206927.2 (MANE Select); 6 bases into the intron after coding-DNA position 6990, G replaced by T.
Molecular consequence: intron variant.
Genome position (GRCh38, 1-based): chr6:38,870,568, G>T. VCF-style: chr6-38870568-G-T. GRCh37 (hg19) VCF-style: chr6-38838344-G-T.
Other names: c.6339+6G>T (NM_001371.4).
Identifiers: ClinVar variation 3667406 (VCV003667406.2).

ClinVar aggregate classification (germline): Uncertain significance (1 of 4 stars; one submission).

Conditions:
Primary ciliary dyskinesia. Also called: Ciliary dyskinesia. Identifiers: Orphanet 244, MedGen C0008780, MONDO:0016575, HP:0012265.

gnomAD v4.1: 4 of 1,611,322 alleles (0.00025%); highest among the groups gnomAD compares: Admixed American, 0.0017%; no homozygotes.

Submission:

Labcorp Genetics (formerly Invitae), Labcorp
Classification: Uncertain significance for Primary ciliary dyskinesia. Last evaluated: 2025-06-11. Review status: criteria provided, single submitter. Criteria: Invitae Variant Classification Sherloc (09022015). Collection method: clinical testing. Allele origin: germline.
Comment: This sequence change falls in intron 49 of the DNAH8 gene. It does not directly change the encoded amino acid sequence of the DNAH8 protein. It affects a nucleotide within the consensus splice site. This variant is present in population databases (no rsID available, gnomAD 0.003%). This variant has not been reported in the literature in individuals affected with DNAH8-related conditions. ClinVar contains an entry for this variant (Variation ID: 3667406). Variants that disrupt the consensus splice site are a relatively common cause of aberrant splicing (PMID: 17576681, 9536098). Algorithms developed to predict the effect of sequence changes on RNA splicing suggest that this variant is not likely to affect RNA splicing. In summary, the available evidence is currently insufficient to determine the role of this variant in disease. Therefore, it has been classified as a Variant of Uncertain Significance.

Literature cited by the submitters: PubMed 17576681; PubMed 9536098.